The following is an entry in ClinVar:

ClinVar aggregate classification (germline): Pathogenic. Review status: criteria provided, multiple submitters, no conflicts (2 of 4 stars). 4 submissions from 4 submitters: Pathogenic (4). Last evaluated 2025-08-12.

Conditions:
Wilson disease (WND). Also called: Wilson's disease. Identifiers: Orphanet 905, MedGen C0019202, MONDO:0010200, OMIM 277900. Disease mechanism: loss of function.

Submissions (4):

Color Diagnostics, LLC DBA Color Health
Classification: Pathogenic for Wilson disease. Last evaluated: 2025-08-12. Review status: criteria provided, single submitter. Criteria: ACMG Guidelines, 2015. Collection method: clinical testing. Allele origin: germline.
Comment: This variant deletes 1 nucleotide in exon 13 of the ATP7B gene, creating a frameshift and premature translation stop signal. This variant is expected to result in an absent or non-functional protein product. This variant has been observed in individuals affected with autosomal recessive Wilson disease, including two siblings who carried a second pathogenic variant in trans (PMID: 10721669), indicating that this variant contributes to disease. This variant has not been identified in the general population by the Genome Aggregation Database (gnomAD). Loss of ATP7B function is a known mechanism of disease. Based on the available evidence, this variant is classified as Pathogenic.

Labcorp Genetics (formerly Invitae), Labcorp
Classification: Pathogenic for Wilson disease. Last evaluated: 2024-07-21. Review status: criteria provided, single submitter. Criteria: Invitae Variant Classification Sherloc (09022015). Collection method: clinical testing. Allele origin: germline.
Comment: This sequence change creates a premature translational stop signal (p.Asn958Thrfs*9) in the ATP7B gene. It is expected to result in an absent or disrupted protein product. Loss-of-function variants in ATP7B are known to be pathogenic (PMID: 10441329, 16283883). This variant is not present in population databases (gnomAD no frequency). This premature translational stop signal has been observed in individual(s) with Wilson disease (PMID: 9199563, 10721669). ClinVar contains an entry for this variant (Variation ID: 1453526). For these reasons, this variant has been classified as Pathogenic.

GeneDx
Classification: Pathogenic. Last evaluated: 2024-05-08. Review status: criteria provided, single submitter. Criteria: GeneDx Variant Classification Process June 2021. Collection method: clinical testing. Allele origin: germline. Affected: yes.
Comment: Frameshift variant predicted to result in protein truncation or nonsense mediated decay in a gene for which loss of function is a known mechanism of disease; Not observed at significant frequency in large population cohorts (gnomAD); This variant is associated with the following publications: (PMID: 10721669, 9199563, 32643122)

Baylor Genetics
Classification: Pathogenic for Wilson disease. Last evaluated: 2023-10-27. Review status: criteria provided, single submitter. Criteria: ACMG Guidelines, 2015. Collection method: clinical testing. Allele origin: unknown.

Literature cited by the submitters: PubMed 10721669 (cited by Color Diagnostics, LLC DBA Color Health and Labcorp Genetics (formerly Invitae), Labcorp); PubMed 10441329 (cited by Labcorp Genetics (formerly Invitae), Labcorp); PubMed 16283883 (cited by Labcorp Genetics (formerly Invitae), Labcorp); PubMed 9199563 (cited by Labcorp Genetics (formerly Invitae), Labcorp).

NM_000053.4(ATP7B):c.2871del (p.Asn958fs)

Gene: ATP7B (ATPase copper transporting beta; minus strand). Cytogenetic location: 13q14.3.
Variant type: Deletion.
Coding change: c.2871del on transcript NM_000053.4 (MANE Select); coding-DNA position 2871, one base deleted (C; older notation c.2871delC).
Protein change: p.Asn958fs; shifts the reading frame from asparagine 958.
Molecular consequence: frameshift variant.
Genome position (GRCh38, 1-based): chr13:51,946,473, G deleted on the plus strand (C on the coding strand, the reverse complement: ATP7B is on the minus strand); the first of 4 consecutive G bases (chr13:51,946,473-51,946,476); deleting any one gives the same sequence. VCF-style (leftmost placement, unchanged base first): chr13-51946472-TG-T. GRCh37 (hg19) VCF-style: chr13-52520608-TG-T.
Other names: c.2250del, p.Asn751fs (NM_001005918.3); c.2538del, p.Asn847fs (NM_001243182.2); c.2637del, p.Asn880fs (NM_001330578.2); c.2619del, p.Asn874fs (NM_001330579.2); c.2871del (NM_000053.3); short protein forms N847fs, N874fs, N751fs, N958fs, N880fs.
Identifiers: ClinVar variation 1453526 (VCV001453526.10), dbSNP rs1957668488, ClinGen allele CA2091566227.